The following is an entry in ClinVar:

NM_001122752.2(SERPINI1):c.74C>A (p.Ala25Asp)

Gene: SERPINI1 (serpin family I member 1; plus strand). Cytogenetic location: 3q26.1.
Variant type: single nucleotide variant.
Coding change: c.74C>A on transcript NM_001122752.2 (MANE Select); coding-DNA position 74, C replaced by A.
Protein change: p.Ala25Asp; replaces alanine 25 with aspartic acid.
Molecular consequence: missense variant.
Genome position (GRCh38, 1-based): chr3:167,789,202, C>A. VCF-style: chr3-167789202-C-A. GRCh37 (hg19) VCF-style: chr3-167506990-C-A.
Other names: c.74C>A, p.Ala25Asp (NM_005025.5); short protein forms A25D.
Identifiers: ClinVar variation 4768901 (VCV004768901.1).

ClinVar aggregate classification (germline): Uncertain significance (1 of 4 stars; one submission).

Conditions:
Familial encephalopathy with neuroserpin inclusion bodies. Also called: ENCEPHALOPATHY, FAMILIAL, WITH COLLINS BODIES. Identifiers: Orphanet 85110, MedGen C1858680, MONDO:0011412, OMIM 604218.

gnomAD v4.1: 2 of 1,614,036 alleles (0.00012%); highest among the groups gnomAD compares: African/African-American, 0.0027%; no homozygotes.

Submission:

Labcorp Genetics (formerly Invitae), Labcorp
Classification: Uncertain significance for Familial encephalopathy with neuroserpin inclusion bodies. Last evaluated: 2025-07-15. Review status: criteria provided, single submitter. Criteria: Invitae Variant Classification Sherloc (09022015). Collection method: clinical testing. Allele origin: germline.
Comment: This sequence change replaces alanine, which is neutral and non-polar, with aspartic acid, which is acidic and polar, at codon 25 of the SERPINI1 protein (p.Ala25Asp). This variant is present in population databases (rs376206610, gnomAD 0.01%). This variant has not been reported in the literature in individuals affected with SERPINI1-related conditions. Invitae Evidence Modeling of protein sequence and biophysical properties (such as structural, functional, and spatial information, amino acid conservation, physicochemical variation, residue mobility, and thermodynamic stability) indicates that this missense variant is not expected to disrupt SERPINI1 protein function with a negative predictive value of 80%. In summary, the available evidence is currently insufficient to determine the role of this variant in disease. Therefore, it has been classified as a Variant of Uncertain Significance.